The following is an entry in ClinVar:

ClinVar aggregate classification (germline): Conflicting classifications of pathogenicity. Review status: criteria provided, conflicting classifications (1 of 4 stars). 3 submissions from 3 submitters: Uncertain significance (1); Likely benign (2). Last evaluated 2026-07-16.

Conditions:
GLUT1 deficiency syndrome 1, autosomal recessive. Identifiers: MedGen C3149117.
Inborn genetic diseases. Identifiers: MedGen C0950123, MeSH D030342.

Allele frequency attached by ClinVar (database versions not stated): gnomAD 0.00001; gnomAD exomes 0.00001; TOPMed 0.00001; ExAC 0.00002.
gnomAD v4.1: 9 of 1,613,838 alleles (0.00056%); highest among the groups gnomAD compares: East Asian, 0.0045%; no homozygotes.

Submissions (3):

Ambry Genetics
Classification: Likely benign for Inborn genetic diseases. Last evaluated: 2026-07-16. Review status: criteria provided, single submitter. Criteria: Ambry Variant Classification Scheme 2023. Collection method: clinical testing. Allele origin: germline.

Labcorp Genetics (formerly Invitae), Labcorp
Classification: Uncertain significance for GLUT1 deficiency syndrome 1, autosomal recessive. Last evaluated: 2023-09-10. Review status: criteria provided, single submitter. Criteria: Invitae Variant Classification Sherloc (09022015). Collection method: clinical testing. Allele origin: germline.
Comment: In summary, the available evidence is currently insufficient to determine the role of this variant in disease. Therefore, it has been classified as a Variant of Uncertain Significance. Experimental studies have shown that this missense change affects SLC2A1 function (PMID: 30588498). Advanced modeling performed at Invitae incorporating data from internal and/or published experimental studies (Invitae) indicates that this missense variant is not expected to disrupt SLC2A1 function. ClinVar contains an entry for this variant (Variation ID: 669381). This missense change has been observed in individual(s) with clinical features of autosomal dominant SLC2A1-related conditions (PMID: 30588498). This variant is present in population databases (rs763241827, gnomAD 0.003%). This sequence change replaces alanine, which is neutral and non-polar, with threonine, which is neutral and polar, at codon 342 of the SLC2A1 protein (p.Ala342Thr).

GeneDx
Classification: Likely benign. Last evaluated: 2018-06-14. Review status: criteria provided, single submitter. Criteria: GeneDx Variant Classification (06012015). Collection method: clinical testing. Allele origin: germline. Affected: yes.
Comment: This variant is considered likely benign or benign based on one or more of the following criteria: it is a conservative change, it occurs at a poorly conserved position in the protein, it is predicted to be benign by multiple in silico algorithms, and/or has population frequency not consistent with disease.

Literature cited by the submitters: PubMed 30588498 (cited by Labcorp Genetics (formerly Invitae), Labcorp).

NM_006516.4(SLC2A1):c.1024G>A (p.Ala342Thr)

Gene: SLC2A1 (solute carrier family 2 member 1; minus strand). Cytogenetic location: 1p34.2.
Variant type: single nucleotide variant.
Coding change: c.1024G>A on transcript NM_006516.4 (MANE Select); coding-DNA position 1024, G replaced by A.
Protein change: p.Ala342Thr; replaces alanine 342 with threonine.
Molecular consequence: missense variant.
Genome position (GRCh38, 1-based): chr1:42,928,982, C>T on the plus strand (G>A on the coding strand, the complement: SLC2A1 is on the minus strand). VCF-style: chr1-42928982-C-T. GRCh37 (hg19) VCF-style: chr1-43394653-C-T.
Other names: short protein forms A342T.
Identifiers: ClinVar variation 669381 (VCV000669381.10), dbSNP rs763241827, ClinGen allele CA803367.